The following is an entry in ClinVar:

ClinVar aggregate classification (germline): Conflicting classifications of pathogenicity. Review status: criteria provided, conflicting classifications (1 of 4 stars). 2 submissions from 2 submitters: Uncertain significance (1); Likely benign (1). Last evaluated 2024-09-20.

Conditions:
Inborn genetic diseases. Identifiers: MedGen C0950123, MeSH D030342.
KBG syndrome (KBGS). Also called: ANKRD11-Related KBG Syndrome. Identifiers: Orphanet 2332, MedGen C0220687, MONDO:0007846, OMIM 148050.

Submissions (2):

3billion
Classification: Likely benign for KBG syndrome. Last evaluated: 2024-09-20. Review status: criteria provided, single submitter. Criteria: ACMG Guidelines, 2015. Collection method: clinical testing. Allele origin: germline. Affected: no.
Comment: The variant was identified in at least one patient who was diagnosed with a different variant in another gene and showed no symptoms related to the gene containing the variant in question.

Ambry Genetics
Classification: Uncertain significance for Inborn genetic diseases. Last evaluated: 2023-08-21. Review status: criteria provided, single submitter. Criteria: Ambry Variant Classification Scheme 2023. Collection method: clinical testing. Allele origin: germline.

NM_013275.6(ANKRD11):c.6559C>G (p.Pro2187Ala)

Gene: ANKRD11 (ankyrin repeat domain 11; minus strand). Cytogenetic location: 16q24.3.
Variant type: single nucleotide variant.
Coding change: c.6559C>G on transcript NM_013275.6 (MANE Select); coding-DNA position 6559, C replaced by G.
Protein change: p.Pro2187Ala; replaces proline 2187 with alanine.
Molecular consequence: missense variant.
Genome position (GRCh38, 1-based): chr16:89,279,983, G>C on the plus strand (C>G on the coding strand, the complement: ANKRD11 is on the minus strand). VCF-style: chr16-89279983-G-C. GRCh37 (hg19) VCF-style: chr16-89346391-G-C.
Other names: c.6559C>G, p.Pro2187Ala (NM_001256182.2, NM_001256183.2); short protein forms P2187A.
Identifiers: ClinVar variation 1754179 (VCV001754179.3), dbSNP rs1399387605, ClinGen allele CA397150589.
Genomic context (GRCh38, chr16:89,279,983, plus strand): 5'-GCTCAGGCTCGAGCTCTGCAGGGAGCCGGGTGGAGGCCTGGTCAGGAGGCAGTGCCGGCG[G>C]CTCCTCAGCCACTACGGTGGAAACATCCCCACCGTTTATGACCCCGGGGGCCCCTGGAGG-3'
Protein context (NP_037407.4, residues 2177-2197): GDVSTVVAEE[Pro2187Ala]PALPPDQAST